The following is an entry in ClinVar:

NM_003070.5(SMARCA2):c.1394A>G (p.Tyr465Cys)

Gene: SMARCA2 (SWI/SNF related BAF chromatin remodeling complex subunit ATPase 2; plus strand). Cytogenetic location: 9p24.3.
Variant type: single nucleotide variant.
Coding change: c.1394A>G on transcript NM_003070.5 (MANE Select); coding-DNA position 1394, A replaced by G.
Protein change: p.Tyr465Cys; replaces tyrosine 465 with cysteine.
Molecular consequence: missense variant.
Genome position (GRCh38, 1-based): chr9:2,058,337, A>G. VCF-style: chr9-2058337-A-G. GRCh37 (hg19) VCF-style: chr9-2058337-A-G.
Other names: c.1394A>G, p.Tyr465Cys (NM_001289396.2, NM_001289397.2, NM_139045.4); short protein forms Y465C.
Identifiers: ClinVar variation 3067568 (VCV003067568.21), dbSNP rs1820444971, ClinGen allele CA372782054.

ClinVar aggregate classification (germline): Uncertain significance (1 of 4 stars; one submission).

Allele frequency attached by ClinVar (database versions not stated): gnomAD exomes 0.00001.
gnomAD v4.1: 5 of 1,614,254 alleles (0.00031%); highest among the groups gnomAD compares: Non-Finnish European, 0.00042%; no homozygotes.

Submission:

CeGaT Center for Human Genetics Tuebingen
Classification: Uncertain significance. Last evaluated: 2024-03-01. Review status: criteria provided, single submitter. Criteria: CeGaT Center For Human Genetics Tuebingen Variant Classification Criteria Version 2. Collection method: clinical testing. Allele origin: germline. Affected: yes. Observed: 1 variant allele.
Comment: SMARCA2: PM2, PP2, PP3